The following is an entry in ClinVar:

NM_016008.4(DYNC2LI1):c.874G>A (p.Val292Met)

Gene: DYNC2LI1 (dynein cytoplasmic 2 light intermediate chain 1; plus strand). Cytogenetic location: 2p21.
Variant type: single nucleotide variant.
Coding change: c.874G>A on transcript NM_016008.4 (MANE Select); coding-DNA position 874, G replaced by A.
Protein change: p.Val292Met; replaces valine 292 with methionine.
Molecular consequence: missense variant.
Genome position (GRCh38, 1-based): chr2:43,804,713, G>A. VCF-style: chr2-43804713-G-A. GRCh37 (hg19) VCF-style: chr2-44031852-G-A.
Other names: c.877G>A, p.Val293Met (NM_001193464.2, NM_001348913.2); c.874G>A, p.Val292Met (NM_001348912.2); c.877G>A (NM_001193464.1); short protein forms V293M, V292M.
Identifiers: ClinVar variation 1518949 (VCV001518949.8), dbSNP rs142412169, ClinGen allele CA1636042.
Genomic context (GRCh38, chr2:43,804,713, plus strand): 5'-GTTCCTGAAAATGACATTGGAAAGCTTCATGCCCACTCACCTATGGAGTTGTGGAAAAAA[G>A]TGTATGAAAAGCTCTTTCCACCAAAGGTACATATTTCTAATTTTTTTAAAAGCAAGACTT-3'
Protein context (NP_057092.2, residues 282-302): AHSPMELWKK[Val292Met]YEKLFPPKSI

ClinVar aggregate classification (germline): Uncertain significance. Review status: criteria provided, multiple submitters, no conflicts (2 of 4 stars). 3 submissions from 3 submitters: Uncertain significance (3). Last evaluated 2024-05-01.

Allele frequency attached by ClinVar (database versions not stated): TOPMed 0.00032; 1000 Genomes Project 30x 0.00094; 1000 Genomes Project 0.00100; ExAC 0.00020; gnomAD 0.00026 and 0.00027; ESP Exome Variant Server 0.00008; gnomAD exomes 0.00018 and 0.00019.
gnomAD v4.1: 315 of 1,603,264 alleles (0.02%); highest among the groups gnomAD compares: Middle Eastern, 0.45%; 1 homozygote.

Submissions (5):

GeneDx
Classification: Uncertain significance. Last evaluated: 2024-05-01. Review status: criteria provided, single submitter. Criteria: GeneDx Variant Classification Process June 2021. Collection method: clinical testing. Allele origin: germline. Affected: yes.
Comment: In silico analysis indicates that this missense variant does not alter protein structure/function; Has not been previously published as pathogenic or benign to our knowledge

Labcorp Genetics (formerly Invitae), Labcorp
Classification: Uncertain significance. Last evaluated: 2022-08-16. Review status: criteria provided, single submitter. Criteria: Invitae Variant Classification Sherloc (09022015). Collection method: clinical testing. Allele origin: germline.
Comment: This sequence change replaces valine, which is neutral and non-polar, with methionine, which is neutral and non-polar, at codon 292 of the DYNC2LI1 protein (p.Val292Met). This variant is present in population databases (rs142412169, gnomAD 0.04%). This variant has not been reported in the literature in individuals affected with DYNC2LI1-related conditions. ClinVar contains an entry for this variant (Variation ID: 1518949). Algorithms developed to predict the effect of missense changes on protein structure and function (SIFT, PolyPhen-2, Align-GVGD) all suggest that this variant is likely to be tolerated. In summary, the available evidence is currently insufficient to determine the role of this variant in disease. Therefore, it has been classified as a Variant of Uncertain Significance.

Breakthrough Genomics
Classification: Uncertain significance. Review status: criteria provided, single submitter. Criteria: ACMG Guidelines, 2015. Collection method: not provided. Allele origin: germline. Inheritance: Autosomal recessive inheritance. Affected: yes.

Dr. Peter K. Rogan Lab, Western University
No classification provided (evidence only). Condition: Lung cancer. Review status: no classification provided. Collection method: in vitro. Allele origin: not applicable. Functional consequence: retained intron. Not counted in ClinVar's aggregate classification.

Dr. Peter K. Rogan Lab, Western University
No classification provided (evidence only). Condition: Lung cancer. Review status: no classification provided. Collection method: in vitro. Allele origin: not applicable. Functional consequence: retained intron. Not counted in ClinVar's aggregate classification.